The following is an entry in ClinVar:

ClinVar aggregate classification (germline): Uncertain significance. Review status: criteria provided, multiple submitters, no conflicts (2 of 4 stars). 2 submissions from 2 submitters: Uncertain significance (2). Last evaluated 2024-11-25.

Conditions:
Inborn genetic diseases. Identifiers: MedGen C0950123, MeSH D030342.

Allele frequency attached by ClinVar (database versions not stated): gnomAD exomes below 0.00001; TOPMed 0.00001.
gnomAD v4.1: 5 of 1,614,020 alleles (0.00031%); highest among the groups gnomAD compares: Non-Finnish European, 0.00034%; no homozygotes.

Submissions (2):

Ambry Genetics
Classification: Uncertain significance for Inborn genetic diseases. Last evaluated: 2024-11-25. Review status: criteria provided, single submitter. Criteria: Ambry Variant Classification Scheme 2023. Collection method: clinical testing. Allele origin: germline.

Labcorp Genetics (formerly Invitae), Labcorp
Classification: Uncertain significance. Last evaluated: 2023-11-07. Review status: criteria provided, single submitter. Criteria: Invitae Variant Classification Sherloc (09022015). Collection method: clinical testing. Allele origin: germline.
Comment: This sequence change replaces threonine, which is neutral and polar, with alanine, which is neutral and non-polar, at codon 2069 of the VCAN protein (p.Thr2069Ala). This variant is present in population databases (rs772019229, gnomAD 0.003%). This variant has not been reported in the literature in individuals affected with VCAN-related conditions. An algorithm developed to predict the effect of missense changes on protein structure and function (PolyPhen-2) suggests that this variant is likely to be tolerated. In summary, the available evidence is currently insufficient to determine the role of this variant in disease. Therefore, it has been classified as a Variant of Uncertain Significance.

NM_004385.5(VCAN):c.6205A>G (p.Thr2069Ala)

Genes: VCAN (versican; plus strand), VCAN-AS1 (VCAN antisense RNA 1; minus strand). Cytogenetic location: 5q14.3.
Variant type: single nucleotide variant.
Coding change: c.6205A>G on transcript NM_004385.5 (MANE Select); coding-DNA position 6205, A replaced by G.
Protein change: p.Thr2069Ala; replaces threonine 2069 with alanine.
Molecular consequence: missense variant. On other transcripts: intron variant (2).
Genome position (GRCh38, 1-based): chr5:83,539,208, A>G. VCF-style: chr5-83539208-A-G. GRCh37 (hg19) VCF-style: chr5-82835027-A-G.
Other names: c.3244A>G, p.Thr1082Ala (NM_001164097.2); c.4004-6329A>G (NM_001164098.2); c.1043-6329A>G (NM_001126336.3); c.6205A>G (NM_004385.4); short protein forms T2069A, T1082A.
Identifiers: ClinVar variation 2986475 (VCV002986475.4), dbSNP rs772019229, ClinGen allele CA3333453.